The following is an entry in ClinVar:

ClinVar aggregate classification (germline): Uncertain significance (1 of 4 stars; one submission).

Conditions:
Primary ciliary dyskinesia. Also called: Ciliary dyskinesia. Identifiers: Orphanet 244, MedGen C0008780, MONDO:0016575, HP:0012265.

Submission:

Labcorp Genetics (formerly Invitae), Labcorp
Classification: Uncertain significance for Primary ciliary dyskinesia. Last evaluated: 2022-01-01. Review status: criteria provided, single submitter. Criteria: Invitae Variant Classification Sherloc (09022015). Collection method: clinical testing. Allele origin: germline.
Comment: This variant results in a copy number gain of the genomic region encompassing exon(s) 1-28 of the DNAH11 gene. This region includes the initiator codon of the gene. This copy number gain extends beyond the assayed region for this gene and therefore may encompass additional genes. As the precise location of this event is unknown, it may be in tandem or it may be located elsewhere in the genome. A similar copy number variant has been observed in individual(s) with DNAH11-related conditions (Invitae). In summary, the available evidence is currently insufficient to determine the role of this variant in disease. Therefore, it has been classified as a Variant of Uncertain Significance.

NC_000007.13:g.(?_21582864)_(21678703_?)dup

Gene: DNAH11 (dynein axonemal heavy chain 11; plus strand). Cytogenetic location: 7p15.3.
Variant type: Duplication.
Identifiers: ClinVar variation 2424087 (VCV002424087.2).